The following is an entry in ClinVar:

ClinVar aggregate classification (germline): Uncertain significance (1 of 4 stars; one submission).

Conditions:
Arrhythmogenic right ventricular dysplasia 11. Also called: Arrhythmogenic Right Ventricular Dysplasia/Cardiomyopathy11; ARRHYTHMOGENIC RIGHT VENTRICULAR DYSPLASIA, FAMILIAL, 11; Arrhythmogenic right ventricular dysplasia 11 with mild palmoplantar keratoderma and woolly hair. Identifiers: MedGen C1864850, MONDO:0012506, OMIM 610476.

Submission:

Labcorp Genetics (formerly Invitae), Labcorp
Classification: Uncertain significance for Arrhythmogenic right ventricular dysplasia 11. Last evaluated: 2022-02-04. Review status: criteria provided, single submitter. Criteria: Invitae Variant Classification Sherloc (09022015). Collection method: clinical testing. Allele origin: germline.
Comment: In summary, the available evidence is currently insufficient to determine the role of this variant in disease. Therefore, it has been classified as a Variant of Uncertain Significance. This variant has not been reported in the literature in individuals affected with DSC2-related conditions. This variant results in a copy number gain of the genomic region encompassing exon(s) 2-16 of the DSC2 gene. This region includes the termination codon of the gene. This copy number gain extends beyond the assayed region for this gene and therefore may encompass additional genes. As the precise location of this event is unknown, it may be in tandem or it may be located elsewhere in the genome.

NC_000018.9:g.(?_28647971)_(28673616_?)dup

Gene: DSC2 (desmocollin 2; minus strand). Cytogenetic location: 18q12.1.
Variant type: Duplication.
Identifiers: ClinVar variation 830839 (VCV000830839.7).